The following is an entry in ClinVar:

NM_144997.7(FLCN):c.204C>T (p.Ser68=)

Gene: FLCN (folliculin; minus strand). Cytogenetic location: 17p11.2.
Variant type: single nucleotide variant.
Coding change: c.204C>T on transcript NM_144997.7 (MANE Select); coding-DNA position 204, C replaced by T.
Protein change: p.Ser68=; no amino-acid change (serine 68 retained).
Molecular consequence: synonymous variant.
Genome position (GRCh38, 1-based): chr17:17,227,934, G>A on the plus strand (C>T on the coding strand, the complement: FLCN is on the minus strand). VCF-style: chr17-17227934-G-A. GRCh37 (hg19) VCF-style: chr17-17131248-G-A.
Other names: c.204C>T (LRG_325t1, NM_144997.6); c.204C>T, p.Ser68= (NM_001353229.2, NM_001353230.2, NM_001353231.2 and 1 more transcripts).
Identifiers: ClinVar variation 388283 (VCV000388283.20), dbSNP rs371947198, ClinGen allele CA8416498.

ClinVar aggregate classification (germline): Benign/Likely benign. Review status: criteria provided, multiple submitters, no conflicts (2 of 4 stars). 7 submissions from 7 submitters: Benign (1); Likely benign (5). 1 of the submissions does not count toward it. Last evaluated 2026-01-18.

Conditions:
FLCN-related disorder. Also called: FLCN-related condition.
Birt-Hogg-Dube syndrome 1 (BHD1). Also called: FIBROFOLLICULOMAS WITH TRICHODISCOMAS AND ACROCHORDONS. Identifiers: Orphanet 122, MedGen CN375946, MONDO:0800445, OMIM 135150.
Hereditary cancer-predisposing syndrome. Also called: Neoplastic Syndromes, Hereditary; Hereditary neoplastic syndrome; Tumor predisposition; Hereditary Cancer Syndrome. Identifiers: Orphanet 140162, MedGen C0027672, MeSH D009386, MONDO:0015356.
Birt-Hogg-Dube syndrome. Also called: Birt Hogg Dubé syndrome. Identifiers: Orphanet 122, MedGen C0346010, MONDO:0800444.

Allele frequency attached by ClinVar (database versions not stated): gnomAD exomes 0.00005 and 0.00009; ExAC 0.00007; gnomAD 0.00001 and 0.00002; TOPMed 0.00001; ESP Exome Variant Server 0.00008.
gnomAD v4.1: 130 of 1,613,946 alleles (0.0081%); highest among the groups gnomAD compares: Non-Finnish European, 0.011%; no homozygotes.

Submissions (7):

Labcorp Genetics (formerly Invitae), Labcorp
Classification: Likely benign for Birt-Hogg-Dube syndrome. Last evaluated: 2026-01-18. Review status: criteria provided, single submitter. Criteria: Invitae Variant Classification Sherloc (09022015). Collection method: clinical testing. Allele origin: germline.

Quest Diagnostics Nichols Institute San Juan Capistrano
Classification: Likely benign. Last evaluated: 2025-03-01. Review status: criteria provided, single submitter. Criteria: Quest Diagnostics criteria. Collection method: clinical testing. Allele origin: unknown.

Myriad Genetics, Inc.
Classification: Benign for Birt-Hogg-Dube syndrome 1. Last evaluated: 2024-10-22. Review status: criteria provided, single submitter. Criteria: Myriad Autosomal Dominant, Autosomal Recessive and X-Linked Classification Criteria (2023). Collection method: clinical testing. Allele origin: unknown.
Comment: This variant is considered benign. This variant is a silent/synonymous amino acid change and it is not expected to impact splicing.

Sema4
Classification: Likely benign for Hereditary cancer-predisposing syndrome. Last evaluated: 2020-12-28. Review status: criteria provided, single submitter. Criteria: Sema4 Curation Guidelines. Collection method: curation. Allele origin: germline.

Ambry Genetics
Classification: Likely benign for Hereditary cancer-predisposing syndrome. Last evaluated: 2017-06-28. Review status: criteria provided, single submitter. Criteria: Ambry Variant Classification Scheme 2023. Collection method: clinical testing. Allele origin: germline.

GeneDx
Classification: Likely benign. Last evaluated: 2016-08-01. Review status: criteria provided, single submitter. Criteria: GeneDx Variant Classification (06012015). Collection method: clinical testing. Allele origin: germline. Affected: yes.
Comment: This variant is considered likely benign or benign based on one or more of the following criteria: it is a conservative change, it occurs at a poorly conserved position in the protein, it is predicted to be benign by multiple in silico algorithms, and/or has population frequency not consistent with disease.

PreventionGenetics, part of Exact Sciences
Classification: Likely benign for FLCN-related condition. Last evaluated: 2023-06-15. Review status: no assertion criteria provided. Collection method: clinical testing. Allele origin: germline. Not counted in ClinVar's aggregate classification.
Comment: This variant is classified as likely benign based on ACMG/AMP sequence variant interpretation guidelines (Richards et al. 2015 PMID: 25741868, with internal and published modifications).